The following is an entry in ClinVar:

ClinVar aggregate classification (germline): Uncertain significance. Review status: criteria provided, multiple submitters, no conflicts (2 of 4 stars). 2 submissions from 2 submitters: Uncertain significance (2). Last evaluated 2024-10-14.

Allele frequency attached by ClinVar (database versions not stated): gnomAD 0.00001; gnomAD exomes 0.00001; TOPMed 0.00001.
gnomAD v4.1: 17 of 1,614,098 alleles (0.0011%); highest among the groups gnomAD compares: Non-Finnish European, 0.0014%; no homozygotes.

Submissions (2):

Labcorp Genetics (formerly Invitae), Labcorp
Classification: Uncertain significance. Last evaluated: 2024-10-14. Review status: criteria provided, single submitter. Criteria: Invitae Variant Classification Sherloc (09022015). Collection method: clinical testing. Allele origin: germline.
Comment: This sequence change replaces glycine, which is neutral and non-polar, with serine, which is neutral and polar, at codon 102 of the IL18BP protein (p.Gly102Ser). This variant is not present in population databases (gnomAD no frequency). This variant has not been reported in the literature in individuals affected with IL18BP-related conditions. ClinVar contains an entry for this variant (Variation ID: 1985100). An algorithm developed to predict the effect of missense changes on protein structure and function (PolyPhen-2) suggests that this variant is likely to be disruptive. In summary, the available evidence is currently insufficient to determine the role of this variant in disease. Therefore, it has been classified as a Variant of Uncertain Significance.

Ambry Genetics
Classification: Uncertain significance. Last evaluated: 2023-06-23. Review status: criteria provided, single submitter. Criteria: Ambry Variant Classification Scheme 2023. Collection method: clinical testing. Allele origin: germline.

NM_001039660.2(IL18BP):c.304G>A (p.Gly102Ser)

Gene: IL18BP (interleukin 18 binding protein; plus strand). Cytogenetic location: 11q13.4.
Variant type: single nucleotide variant.
Coding change: c.304G>A on transcript NM_001039660.2 (MANE Select); coding-DNA position 304, G replaced by A.
Protein change: p.Gly102Ser; replaces glycine 102 with serine.
Molecular consequence: missense variant. On other transcripts: intron variant (1).
Genome position (GRCh38, 1-based): chr11:72,001,269, G>A. VCF-style: chr11-72001269-G-A. GRCh37 (hg19) VCF-style: chr11-71712315-G-A.
Other names: c.304G>A, p.Gly102Ser (NM_001039659.2, NM_001145057.1, NM_005699.3 and 2 more transcripts); c.236-515G>A (NM_001145055.1); short protein forms G102S.
Identifiers: ClinVar variation 1985100 (VCV001985100.6), dbSNP rs751149001, ClinGen allele CA224379024.